The following is an entry in ClinVar:

NM_000170.3(GLDC):c.1285C>G (p.Leu429Val)

Gene: GLDC (glycine decarboxylase; minus strand). Cytogenetic location: 9p24.1.
Variant type: single nucleotide variant.
Coding change: c.1285C>G on transcript NM_000170.3 (MANE Select); coding-DNA position 1285, C replaced by G.
Protein change: p.Leu429Val; replaces leucine 429 with valine.
Molecular consequence: missense variant.
Genome position (GRCh38, 1-based): chr9:6,592,967, G>C on the plus strand (C>G on the coding strand, the complement: GLDC is on the minus strand). VCF-style: chr9-6592967-G-C. GRCh37 (hg19) VCF-style: chr9-6592967-G-C.
Other names: short protein forms L429V.
Identifiers: ClinVar variation 2162508 (VCV002162508.4), dbSNP rs760051537, ClinGen allele CA372894136.

ClinVar aggregate classification (germline): Uncertain significance (1 of 4 stars; one submission).

Conditions:
Glycine encephalopathy. Also called: Non-ketotic hyperglycinemia; Nonketotic hyperglycinemia. Identifiers: Orphanet 407, MedGen C0751748, MONDO:0011612, HP:0008288.

gnomAD v4.1: 1 of 1,610,494 alleles (0.000062%); highest among the groups gnomAD compares: South Asian, 0.0011%; no homozygotes.

Submission:

Labcorp Genetics (formerly Invitae), Labcorp
Classification: Uncertain significance for Glycine encephalopathy. Last evaluated: 2022-02-25. Review status: criteria provided, single submitter. Criteria: Invitae Variant Classification Sherloc (09022015). Collection method: clinical testing. Allele origin: germline.
Comment: Advanced modeling of protein sequence and biophysical properties (such as structural, functional, and spatial information, amino acid conservation, physicochemical variation, residue mobility, and thermodynamic stability) performed at Invitae indicates that this missense variant is not expected to disrupt GLDC protein function. This variant has not been reported in the literature in individuals affected with GLDC-related conditions. This variant is not present in population databases (gnomAD no frequency). This sequence change replaces leucine, which is neutral and non-polar, with valine, which is neutral and non-polar, at codon 429 of the GLDC protein (p.Leu429Val). In summary, the available evidence is currently insufficient to determine the role of this variant in disease. Therefore, it has been classified as a Variant of Uncertain Significance.